The following is an entry in ClinVar:

ClinVar aggregate classification (germline): Likely benign (0 of 4 stars; one submission).

Conditions:
ACTA2-related disorder. Also called: ACTA2-related disorders; ACTA2-related condition.

Submission:

PreventionGenetics, part of Exact Sciences
Classification: Likely benign for ACTA2-related condition. Last evaluated: 2023-03-10. Review status: no assertion criteria provided. Collection method: clinical testing. Allele origin: germline.
Comment: This variant is classified as likely benign based on ACMG/AMP sequence variant interpretation guidelines (Richards et al. 2015 PMID: 25741868, with internal and published modifications).

NM_001613.4(ACTA2):c.861T>C (p.Cys287=)

Genes: ACTA2 (actin alpha 2, smooth muscle; minus strand), ACTA2-AS1 (ACTA2 antisense RNA 1; plus strand). Cytogenetic location: 10q23.31.
Variant type: single nucleotide variant.
Coding change: c.861T>C on transcript NM_001613.4 (MANE Select); coding-DNA position 861, T replaced by C.
Protein change: p.Cys287=; no amino-acid change (cysteine 287 retained).
Molecular consequence: synonymous variant.
Genome position (GRCh38, 1-based): chr10:88,938,190, A>G on the plus strand (T>C on the coding strand, the complement: ACTA2 is on the minus strand). VCF-style: chr10-88938190-A-G. GRCh37 (hg19) VCF-style: chr10-90697947-A-G.
Other names: c.861T>C, p.Cys287= (NM_001141945.3, NM_001320855.2, NM_001406462.1 and 2 more transcripts); c.750T>C, p.Cys250= (NM_001406466.1); c.732T>C, p.Cys244= (NM_001406467.1, NM_001406468.1, NM_001406469.1); c.669T>C, p.Cys223= (NM_001406471.1).
Identifiers: ClinVar variation 3050852 (VCV003050852.2), dbSNP rs2494519776, ClinGen allele CA470729881.